The following is an entry in ClinVar:

NM_198239.2(CCN6):c.590-1G>C

Gene: CCN6 (cellular communication network factor 6; plus strand). Cytogenetic location: 6q21.
Variant type: single nucleotide variant.
Coding change: c.590-1G>C on transcript NM_198239.2 (MANE Select); the canonical splice acceptor site of the intron before coding-DNA position 590, G replaced by C.
Molecular consequence: splice acceptor variant.
Genome position (GRCh38, 1-based): chr6:112,068,204, G>C. VCF-style: chr6-112068204-G-C. GRCh37 (hg19) VCF-style: chr6-112389407-G-C.
Other names: c.590-1G>C (NM_003880.4).
Identifiers: ClinVar variation 3004058 (VCV003004058.4), dbSNP rs140366226, ClinGen allele CA3964063.
Genomic context (GRCh38, chr6:112,068,204, plus strand): 5'-TTATCTATTTATACAAGTACATTTATATGTATACATATGTACTTTTCTCCCTTTGTTTTA[G>C]CTTATAGAAATCTCCCACTTATTTGGAAAAAAAAATGTCTTGTGCAAGCAACAAAATGGA-3'

ClinVar aggregate classification (germline): Likely pathogenic. Review status: criteria provided, multiple submitters, no conflicts (2 of 4 stars). 2 submissions from 2 submitters: Likely pathogenic (2). Last evaluated 2026-01-11.

Conditions:
Progressive pseudorheumatoid dysplasia (PPRD). Also called: SPONDYLOEPIPHYSEAL DYSPLASIA TARDA WITH PROGRESSIVE ARTHROPATHY; Progressive Pseudorheumatoid Arthropathy of Childhood. Identifiers: Orphanet 1159, MedGen C0432215, MONDO:0008827, OMIM 208230. Disease mechanism: loss of function.

Allele frequency attached by ClinVar (database versions not stated): gnomAD exomes 0.00001; TOPMed 0.00001; ExAC 0.00001; gnomAD 0.00001; ESP Exome Variant Server 0.00015.
gnomAD v4.1: 12 of 1,608,658 alleles (0.00075%); highest among the groups gnomAD compares: South Asian, 0.0011%; no homozygotes.

Submissions (2):

Labcorp Genetics (formerly Invitae), Labcorp
Classification: Likely pathogenic. Last evaluated: 2026-01-11. Review status: criteria provided, single submitter. Criteria: Invitae Variant Classification Sherloc (09022015). Collection method: clinical testing. Allele origin: germline.
Comment: This sequence change affects an acceptor splice site in intron 4 of the WISP3 gene. It is expected to disrupt RNA splicing. Variants that disrupt the donor or acceptor splice site typically lead to a loss of protein function (PMID: 16199547), and loss-of-function variants in WISP3 are known to be pathogenic (PMID: 22791401). This variant is present in population databases (rs140366226, gnomAD 0.008%). This variant has not been reported in the literature in individuals affected with WISP3-related conditions. ClinVar contains an entry for this variant (Variation ID: 3004058). Algorithms developed to predict the effect of sequence changes on RNA splicing suggest that this variant may disrupt the consensus splice site. In summary, the currently available evidence indicates that the variant is pathogenic, but additional data are needed to prove that conclusively. Therefore, this variant has been classified as Likely Pathogenic.

First Genomix Gene Laboratory, Genetic Diagnostics Department
Classification: Likely pathogenic for Progressive pseudorheumatoid dysplasia. Last evaluated: 2025-03-27. Review status: criteria provided, single submitter. Criteria: ACMG Guidelines, 2015. Collection method: clinical testing. Allele origin: germline. Inheritance: Autosomal recessive inheritance. Affected: no. Observed: 1 variant allele.

Literature cited by the submitters: PubMed 16199547 (cited by Labcorp Genetics (formerly Invitae), Labcorp); PubMed 22791401 (cited by Labcorp Genetics (formerly Invitae), Labcorp).